The following is an entry in ClinVar:

ClinVar aggregate classification (germline): Uncertain significance (1 of 4 stars; one submission).

Conditions:
POLD1-related polyposis and colorectal cancer syndrome (CRCS10). Also called: Colorectal cancer 10; Colorectal cancer, susceptibility to, 10; COLORECTAL CANCER, SUSCEPTIBILITY TO, ON CHROMOSOME 19q. Identifiers: Orphanet 220460, MedGen C2675481, MONDO:0012953, OMIM 612591.

Submission:

Labcorp Genetics (formerly Invitae), Labcorp
Classification: Uncertain significance for POLD1-related polyposis and colorectal cancer syndrome. Last evaluated: 2024-01-28. Review status: criteria provided, single submitter. Criteria: Invitae Variant Classification Sherloc (09022015). Collection method: clinical testing. Allele origin: germline.
Comment: This sequence change replaces valine, which is neutral and non-polar, with alanine, which is neutral and non-polar, at codon 844 of the POLD1 protein (p.Val844Ala). This variant is not present in population databases (gnomAD no frequency). This variant has not been reported in the literature in individuals affected with POLD1-related conditions. Advanced modeling of protein sequence and biophysical properties (such as structural, functional, and spatial information, amino acid conservation, physicochemical variation, residue mobility, and thermodynamic stability) performed at Invitae indicates that this missense variant is not expected to disrupt POLD1 protein function with a negative predictive value of 80%. In summary, the available evidence is currently insufficient to determine the role of this variant in disease. Therefore, it has been classified as a Variant of Uncertain Significance.

NM_002691.4(POLD1):c.2531T>C (p.Val844Ala)

Gene: POLD1 (DNA polymerase delta 1, catalytic subunit; plus strand). Cytogenetic location: 19q13.33.
Variant type: single nucleotide variant.
Coding change: c.2531T>C on transcript NM_002691.4 (MANE Select); coding-DNA position 2531, T replaced by C.
Protein change: p.Val844Ala; replaces valine 844 with alanine.
Molecular consequence: missense variant. On other transcripts: non-coding transcript variant (1).
Genome position (GRCh38, 1-based): chr19:50,414,957, T>C. VCF-style: chr19-50414957-T-C. GRCh37 (hg19) VCF-style: chr19-50918214-T-C.
Other names: c.2531T>C, p.Val844Ala (NM_001256849.1); c.2609T>C, p.Val870Ala (NM_001308632.1); short protein forms V870A, V844A.
Identifiers: ClinVar variation 2768787 (VCV002768787.3), dbSNP rs2514048830, ClinGen allele CA406985195.